The following is an entry in ClinVar:

ClinVar aggregate classification (germline): Pathogenic. Review status: criteria provided, multiple submitters, no conflicts (2 of 4 stars). 2 submissions from 2 submitters: Pathogenic (2). Last evaluated 2024-07-23.

Conditions:
Retinitis pigmentosa 69 (RP69). Identifiers: Orphanet 791, MedGen C4014312, MONDO:0014345, OMIM 615780.

Allele frequency attached by ClinVar (database versions not stated): gnomAD exomes 0.00001 and 0.00002; ExAC 0.00003.

Submissions (2):

3billion
Classification: Pathogenic for Retinitis pigmentosa 69. Last evaluated: 2024-07-23. Review status: criteria provided, single submitter. Criteria: ACMG Guidelines, 2015. Collection method: clinical testing. Allele origin: germline. Affected: yes.
Comment: The variant is observed at an extremely low frequency in the gnomAD v4.0.0 dataset (total allele frequency: <0.001%). Predicted Consequence/Location: Frameshift: predicted to result in a loss or disruption of normal protein function through nonsense-mediated decay (NMD) or protein truncation. Multiple pathogenic variants are reported downstream of the variant. The variant has been reported to be associated with KIZ related disorder (ClinVar ID: VCV001354146). Therefore, this variant is classified as Pathogenic according to the recommendation of ACMG/AMP guideline.

Labcorp Genetics (formerly Invitae), Labcorp
Classification: Pathogenic. Last evaluated: 2022-10-24. Review status: criteria provided, single submitter. Criteria: Invitae Variant Classification Sherloc (09022015). Collection method: clinical testing. Allele origin: germline.
Comment: This sequence change creates a premature translational stop signal (p.His194Leufs*2) in the KIZ gene. It is expected to result in an absent or disrupted protein product. Loss-of-function variants in KIZ are known to be pathogenic (PMID: 24680887, 29057815). This variant is present in population databases (rs766568333, gnomAD 0.03%). This variant has not been reported in the literature in individuals affected with KIZ-related conditions. ClinVar contains an entry for this variant (Variation ID: 1354146). For these reasons, this variant has been classified as Pathogenic.

Literature cited by the submitters: PubMed 24680887 (cited by Labcorp Genetics (formerly Invitae), Labcorp); PubMed 29057815 (cited by Labcorp Genetics (formerly Invitae), Labcorp).

NM_018474.6(KIZ):c.581_605del (p.His194fs)

Gene: KIZ (kizuna centrosomal protein; plus strand). Cytogenetic location: 20p11.23.
Variant type: Deletion.
Coding change: c.581_605del on transcript NM_018474.6 (MANE Select); coding-DNA positions 581 to 605, 25 bases deleted (ACCGACAGACAGCCCAGAGCAGTAA).
Protein change: p.His194fs; shifts the reading frame from histidine 194.
Molecular consequence: frameshift variant.
Genome position (GRCh38, 1-based): chr20:21,162,046-21,162,070, ACCGACAGACAGCCCAGAGCAGTAA deleted. VCF-style (leftmost placement, unchanged base first): chr20-21162045-CACCGACAGACAGCCCAGAGCAGTAA-C. GRCh37 (hg19) VCF-style: chr20-21142686-CACCGACAGACAGCCCAGAGCAGTAA-C.
Other names: c.272_296del, p.His91fs (NM_001163022.3, NM_001352435.2); c.182_206del, p.His61fs (NM_001163023.3); c.434_458del, p.His145fs (NM_001276389.2); c.581_605del, p.His194fs (NM_001352434.2); c.239_263del, p.His80fs (NM_001352436.2); short protein forms H145fs, H91fs, H194fs, H61fs, H80fs.
Identifiers: ClinVar variation 1354146 (VCV001354146.7), dbSNP rs766568333, ClinGen allele CA9784671.